The following is an entry in ClinVar:

NM_198148.3(CPXM2):c.1142A>G (p.Asn381Ser)

Gene: CPXM2 (carboxypeptidase X, M14 family member 2; minus strand). Cytogenetic location: 10q26.13.
Variant type: single nucleotide variant.
Coding change: c.1142A>G on transcript NM_198148.3 (MANE Select); coding-DNA position 1142, A replaced by G.
Protein change: p.Asn381Ser; replaces asparagine 381 with serine.
Molecular consequence: missense variant.
Genome position (GRCh38, 1-based): chr10:123,768,683, T>C on the plus strand (A>G on the coding strand, the complement: CPXM2 is on the minus strand). VCF-style: chr10-123768683-T-C. GRCh37 (hg19) VCF-style: chr10-125528199-T-C.
Other names: short protein forms N381S.
Identifiers: ClinVar variation 4656333 (VCV004656333.1).

ClinVar aggregate classification (germline): Uncertain significance (1 of 4 stars; one submission).

gnomAD v4.1: 249 of 1,611,526 alleles (0.015%); highest among the groups gnomAD compares: Non-Finnish European, 0.021%; no homozygotes.

Submission:

Ambry Genetics
Classification: Uncertain significance. Last evaluated: 2025-11-03. Review status: criteria provided, single submitter. Criteria: Ambry Variant Classification Scheme 2023. Collection method: clinical testing. Allele origin: germline.
Comment: The c.1142A>G (p.N381S) alteration is located in exon 9 (coding exon 9) of the CPXM2 gene. This alteration results from a A to G substitution at nucleotide position 1142, causing the asparagine (N) at amino acid position 381 to be replaced by a serine (S). Based on data from gnomAD, the G allele has an overall frequency of 0.004% (9/248506) total alleles studied. The highest observed frequency was 0.007% (8/112646) of European (non-Finnish) alleles. Based on insufficient or conflicting evidence, the clinical significance of this alteration remains unclear.